The following is an entry in ClinVar:

ClinVar aggregate classification (germline): Pathogenic (1 of 4 stars; one submission).

Submission:

Labcorp Genetics (formerly Invitae), Labcorp
Classification: Pathogenic. Last evaluated: 2025-04-10. Review status: criteria provided, single submitter. Criteria: Invitae Variant Classification Sherloc (09022015). Collection method: clinical testing. Allele origin: germline.
Comment: This sequence change creates a premature translational stop signal (p.Leu1862Glnfs*36) in the SPTB gene. It is expected to result in an absent or disrupted protein product. Loss-of-function variants in SPTB are known to be pathogenic (PMID: 1391962, 1498324, 8844207, 26830532, 27292444). This variant is not present in population databases (gnomAD no frequency). This variant has not been reported in the literature in individuals affected with SPTB-related conditions. For these reasons, this variant has been classified as Pathogenic.

Literature cited by the submitters: PubMed 1391962; PubMed 1498324; PubMed 8844207; PubMed 26830532; PubMed 27292444.

NM_001355436.2(SPTB):c.5581_5587del (p.Leu1862fs)

Gene: SPTB (spectrin beta, erythrocytic; minus strand). Cytogenetic location: 14q23.3.
Variant type: Deletion.
Coding change: c.5581_5587del on transcript NM_001355436.2 (MANE Select); coding-DNA positions 5581 to 5587, 7 bases deleted (CGTCTGC; older notation c.5581_5587delCGTCTGC).
Protein change: p.Leu1862fs; shifts the reading frame from leucine 1862.
Molecular consequence: frameshift variant.
Genome position (GRCh38, 1-based): chr14:64,771,096-64,771,102, GCAGACG deleted on the plus strand (CGTCTGC on the coding strand, the reverse complement: SPTB is on the minus strand); deleting any 7 consecutive bases within chr14:64,771,096-64,771,103 gives the same sequence; the c. name uses the placement nearest the transcript's 3' end. VCF-style (leftmost placement, unchanged base first): chr14-64771095-TGCAGACG-T. GRCh37 (hg19) VCF-style: chr14-65237813-TGCAGACG-T.
Other names: c.5581_5587del, p.Leu1862fs (NM_001024858.4, NM_001355437.2); short protein forms L1862fs.
Identifiers: ClinVar variation 4717113 (VCV004717113.1).